The following is an entry in ClinVar:

NM_001128228.3(TPRN):c.1824_1827delinsA (p.Glu621del)

Gene: TPRN (taperin; minus strand). Cytogenetic location: 9q34.3.
Variant type: Indel.
Coding change: c.1824_1827delinsA on transcript NM_001128228.3 (MANE Select); coding-DNA positions 1824 to 1827, GGAG replaced by A.
Protein change: p.Glu621del; deletes glutamic acid 621.
Molecular consequence: inframe deletion.
Genome position (GRCh38, 1-based): chr9:137,192,590-137,192,593, CTCC replaced by T on the plus strand (GGAG replaced by A on the coding strand, the reverse complement: TPRN is on the minus strand). VCF-style: chr9-137192590-CTCC-T. GRCh37 (hg19) VCF-style: chr9-140087042-CTCC-T.
Other names: short protein forms E621del.
Identifiers: ClinVar variation 1212563 (VCV001212563.4), dbSNP rs2131348878, ClinGen allele CA2499219804.

ClinVar aggregate classification (germline): Uncertain significance (1 of 4 stars; one submission).

Submission:

GeneDx
Classification: Uncertain significance. Last evaluated: 2025-11-25. Review status: criteria provided, single submitter. Criteria: GeneDx Variant Classification Process June 2021. Collection method: clinical testing. Allele origin: germline. Affected: yes.
Comment: Not observed at significant frequency in large population cohorts (gnomAD); In-frame deletion of 1 of amino acid in a repetitive region with no known function; Has not been previously published as pathogenic or benign to our knowledge